The following is an entry in ClinVar:

ClinVar aggregate classification (germline): Uncertain significance (1 of 4 stars; one submission).

Conditions:
Inclusion body myopathy with Paget disease of bone and frontotemporal dementia. Also called: Inclusion body myopathy with early-onset Paget disease and frontotemporal dementia. Identifiers: Orphanet 52430, MedGen C1833662, MONDO:0000507.
Frontotemporal dementia and/or amyotrophic lateral sclerosis 6 (FTDALS6). Also called: VCP-Related Amyotrophic Lateral Sclerosis; VCP-Related Amyotrophic Lateral Sclerosis/Frontotemporal Dementia. Identifiers: Orphanet 275872, Orphanet 803, MedGen C5436279, MONDO:0013501, OMIM 613954.

Submission:

Labcorp Genetics (formerly Invitae), Labcorp
Classification: Uncertain significance for Inclusion body myopathy with Paget disease of bone and frontotemporal dementia; Frontotemporal dementia and/or amyotrophic lateral sclerosis 6. Last evaluated: 2024-08-01. Review status: criteria provided, single submitter. Criteria: Invitae Variant Classification Sherloc (09022015). Collection method: clinical testing. Allele origin: germline.
Comment: This sequence change replaces leucine, which is neutral and non-polar, with proline, which is neutral and non-polar, at codon 130 of the VCP protein (p.Leu130Pro). This variant is not present in population databases (gnomAD no frequency). This variant has not been reported in the literature in individuals affected with VCP-related conditions. Advanced modeling of protein sequence and biophysical properties (such as structural, functional, and spatial information, amino acid conservation, physicochemical variation, residue mobility, and thermodynamic stability) performed at Invitae indicates that this missense variant is not expected to disrupt VCP protein function with a negative predictive value of 80%. In summary, the available evidence is currently insufficient to determine the role of this variant in disease. Therefore, it has been classified as a Variant of Uncertain Significance.

NM_007126.5(VCP):c.389T>C (p.Leu130Pro)

Gene: VCP (valosin containing protein; minus strand). Cytogenetic location: 9p13.3.
Variant type: single nucleotide variant.
Coding change: c.389T>C on transcript NM_007126.5 (MANE Select); coding-DNA position 389, T replaced by C.
Protein change: p.Leu130Pro; replaces leucine 130 with proline.
Molecular consequence: missense variant.
Genome position (GRCh38, 1-based): chr9:35,066,731, A>G on the plus strand (T>C on the coding strand, the complement: VCP is on the minus strand). VCF-style: chr9-35066731-A-G. GRCh37 (hg19) VCF-style: chr9-35066728-A-G.
Other names: c.254T>C, p.Leu85Pro (NM_001354927.2, NM_001354928.2); short protein forms L130P, L85P.
Identifiers: ClinVar variation 3757511 (VCV003757511.2).